The following is an entry in ClinVar:

ClinVar aggregate classification (germline): Pathogenic (1 of 4 stars; one submission).

Conditions:
Leukocyte adhesion deficiency 1 (LAD1). Also called: LEUKOCYTE ADHESION DEFICIENCY, TYPE I; LAD 1; Lymphocyte function-associated antigen 1 immunodeficiency; LFA 1 immunodeficiency. Identifiers: Orphanet 2968, Orphanet 99842, MedGen C0398738, MONDO:0007293, OMIM 116920.

Submission:

Labcorp Genetics (formerly Invitae), Labcorp
Classification: Pathogenic for Leukocyte adhesion deficiency 1. Last evaluated: 2023-03-24. Review status: criteria provided, single submitter. Criteria: Invitae Variant Classification Sherloc (09022015). Collection method: clinical testing. Allele origin: germline.
Comment: This sequence change creates a premature translational stop signal (p.Cys286Profs*29) in the ITGB2 gene. It is expected to result in an absent or disrupted protein product. Loss-of-function variants in ITGB2 are known to be pathogenic (PMID: 22134107, 25703682). This variant is not present in population databases (gnomAD no frequency). This variant has not been reported in the literature in individuals affected with ITGB2-related conditions. For these reasons, this variant has been classified as Pathogenic.

Literature cited by the submitters: PubMed 22134107; PubMed 25703682.

NM_000211.5(ITGB2):c.851_854dup (p.Cys286fs)

Gene: ITGB2 (integrin subunit beta 2; minus strand). Cytogenetic location: 21q22.3.
Variant type: Duplication.
Coding change: c.851_854dup on transcript NM_000211.5 (MANE Select); coding-DNA positions 851 to 854, 4 bases duplicated (GCCG; older notation c.851_854dupGCCG).
Protein change: p.Cys286fs; shifts the reading frame from cysteine 286.
Molecular consequence: frameshift variant.
Genome position (GRCh38, 1-based): chr21:44,900,363-44,900,366, CGGC duplicated on the plus strand (GCCG on the coding strand, the reverse complement: ITGB2 is on the minus strand); duplicating any 4 consecutive bases within chr21:44,900,363-44,900,368 gives the same sequence; the c. name uses the placement nearest the transcript's 3' end. VCF-style (leftmost placement, unchanged base first): chr21-44900362-G-GCGGC. GRCh37 (hg19) VCF-style: chr21-46320277-G-GCGGC.
Other names: c.851_854dup, p.Cys286fs (NM_001127491.3); c.644_647dup, p.Cys217fs (NM_001303238.2); short protein forms C217fs, C286fs.
Identifiers: ClinVar variation 2849090 (VCV002849090.3), dbSNP rs2517121897, ClinGen allele CA2739267706.